The following is an entry in ClinVar:

NM_001035.3(RYR2):c.385-9A>C

Gene: RYR2 (ryanodine receptor 2; plus strand). Cytogenetic location: 1q43.
Variant type: single nucleotide variant.
Coding change: c.385-9A>C on transcript NM_001035.3 (MANE Select); 9 bases into the intron before coding-DNA position 385, A replaced by C.
Molecular consequence: intron variant.
Genome position (GRCh38, 1-based): chr1:237,374,708, A>C. VCF-style: chr1-237374708-A-C. GRCh37 (hg19) VCF-style: chr1-237538008-A-C.
Other names: p.?.
Identifiers: ClinVar variation 378483 (VCV000378483.29), dbSNP rs140998248, ClinGen allele CA086487.

ClinVar aggregate classification (germline): Benign/Likely benign. Review status: criteria provided, multiple submitters, no conflicts (2 of 4 stars). 11 submissions from 11 submitters: Benign (7); Likely benign (4). Last evaluated 2026-01-14.

Conditions:
Catecholaminergic polymorphic ventricular tachycardia (CVPT). Also called: Catecholamine-induced polymorphic ventricular tachycardia. Identifiers: Orphanet 3286, MedGen C5574922, MONDO:0017990.
Catecholaminergic polymorphic ventricular tachycardia 1. Also called: VENTRICULAR TACHYCARDIA, STRESS-INDUCED POLYMORPHIC 1; RYR2-Related Catecholaminergic Polymorphic Ventricular Tachycardia; VENTRICULAR TACHYCARDIA, CATECHOLAMINERGIC POLYMORPHIC, 1, WITH OR WITHOUT ATRIAL DYSFUNCTION AND/OR DILATED CARDIOMYOPATHY. Identifiers: Orphanet 3286, MedGen C1631597, MONDO:0011484, OMIM 604772.
Cardiomyopathy (CMYO). Also called: Cardiomyopathies. Identifiers: Orphanet 167848, MedGen C0878544, MONDO:0004994, HP:0001638. Inheritance: Various modes of inheritance.

Allele frequency attached by ClinVar (database versions not stated): 1000 Genomes Project 0.00040; ESP Exome Variant Server 0.00057; 1000 Genomes Project 30x 0.00062; TOPMed 0.00068.
gnomAD v4.1: 220 of 1,607,614 alleles (0.014%); highest among the groups gnomAD compares: African/African-American, 0.23%; no homozygotes.

Submissions (11):

Labcorp Genetics (formerly Invitae), Labcorp
Classification: Benign for Catecholaminergic polymorphic ventricular tachycardia 1. Last evaluated: 2026-01-14. Review status: criteria provided, single submitter. Criteria: Invitae Variant Classification Sherloc (09022015). Collection method: clinical testing. Allele origin: germline.

Molecular Diagnostic Laboratory for Inherited Cardiovascular Disease, Montreal Heart Institute
Classification: Benign. Last evaluated: 2025-04-09. Review status: criteria provided, single submitter. Criteria: ACMG Guidelines, 2015. Collection method: clinical testing. Allele origin: germline. Affected: no.

Mayo Clinic Laboratories, Mayo Clinic
Classification: Likely benign. Last evaluated: 2025-02-03. Review status: criteria provided, single submitter. Criteria: ACMG Guidelines, 2015. Collection method: clinical testing. Allele origin: germline. Observed: 2 variant alleles.
Comment: BS1, BP4, BP7

Blueprint Genetics
Classification: Likely benign. Last evaluated: 2024-10-07. Review status: criteria provided, single submitter. Criteria: ACMG Guidelines, 2015. Collection method: clinical testing. Allele origin: germline.

All of Us Research Program, National Institutes of Health
Classification: Benign for Catecholaminergic polymorphic ventricular tachycardia. Last evaluated: 2024-02-05. Review status: criteria provided, single submitter. Criteria: ACMG Guidelines, 2015. Collection method: clinical testing. Allele origin: germline. Inheritance: Autosomal dominant inheritance. Observed: 36 variant alleles, 36 heterozygotes.
Comment: This study involves interpretation of variants in research participants for the purpose of population health screening. Participant phenotype was not available at the time of variant classification. Additional details can be found in publication PMID: 35346344, PMCID: PMC8962531

Color Diagnostics, LLC DBA Color Health
Classification: Benign for Cardiomyopathy. Last evaluated: 2018-11-27. Review status: criteria provided, single submitter. Criteria: ACMG Guidelines, 2015. Collection method: clinical testing. Allele origin: germline.

Women's Health and Genetics/Laboratory Corporation of America, LabCorp
Classification: Benign. Last evaluated: 2018-07-16. Review status: criteria provided, single submitter. Criteria: LabCorp Variant Classification Summary - May 2015. Collection method: clinical testing. Allele origin: germline.
Comment: Variant summary: RYR2 c.385-9A>C alters a non-conserved nucleotide located close to a canonical splice site and therefore could affect mRNA splicing, leading to a significantly altered protein sequence. 5/5 computational tools predict no significant impact on normal splicing. However, these predictions have yet to be confirmed by functional studies. The variant was observed with an allele frequency of 0.00027 in 271504 control chromosomes (gnomAD), predominantly in Africans, 62/23486 chromosomes (allele frequency 0.0026). The observed variant frequency within African control individuals in the gnomAD database is approximately 43-folds higher than the estimated maximal expected allele frequency for a pathogenic variant in RYR2 causing Arrhythmia phenotype (6e-05), strongly suggesting that the variant is a benign polymorphism found primarily in populations of African origin. To our knowledge, no occurrence of c.385-9A>C in individuals affected with Arrhythmia and no experimental evidence demonstrating its impact on protein function have been reported. Four ClinVar submissions from clinical diagnostic laboratories (evaluation after 2014) cite the variant as "likely benign/benign." Based on the evidence outlined above, the variant was classified as benign.

CHEO Genetics Diagnostic Laboratory, Children's Hospital of Eastern Ontario
Classification: Benign for Cardiomyopathy. Last evaluated: 2018-06-12. Review status: criteria provided, single submitter. Criteria: ACMG Guidelines, 2015. Collection method: clinical testing. Allele origin: germline.

Eurofins Ntd Llc (ga)
Classification: Likely benign. Last evaluated: 2017-01-04. Review status: criteria provided, single submitter. Criteria: EGL Classification Definitions 2015. Collection method: clinical testing. Allele origin: germline. Observed: 1 variant allele, 1 heterozygote.

Laboratory for Molecular Medicine, Mass General Brigham Personalized Medicine
Classification: Likely benign. Last evaluated: 2016-05-02. Review status: criteria provided, single submitter. Criteria: LMM Criteria. Collection method: clinical testing. Allele origin: germline. Observed: 1 variant allele.
Comment: c.385-9A>C in intron 6 of RYR2: This variant is not expected to have clinical si gnificance because it has been identified in 0.3% (20/6896) of African chromosom es by the Exome Aggregation Consortium (ExAC; db SNP rs140998248).

GeneDx
Classification: Benign. Last evaluated: 2016-04-07. Review status: criteria provided, single submitter. Criteria: GeneDx Variant Classification (06012015). Collection method: clinical testing. Allele origin: germline. Affected: yes.
Comment: This variant is considered likely benign or benign based on one or more of the following criteria: it is a conservative change, it occurs at a poorly conserved position in the protein, it is predicted to be benign by multiple in silico algorithms, and/or has population frequency not consistent with disease.